The following is an entry in ClinVar:

NM_001371727.1(GABRB2):c.142G>C (p.Asp48His)

Gene: GABRB2 (gamma-aminobutyric acid type A receptor subunit beta2; minus strand). Cytogenetic location: 5q34.
Variant type: single nucleotide variant.
Coding change: c.142G>C on transcript NM_001371727.1 (MANE Select); coding-DNA position 142, G replaced by C.
Protein change: p.Asp48His; replaces aspartic acid 48 with histidine.
Molecular consequence: missense variant.
Genome position (GRCh38, 1-based): chr5:161,546,349, C>G on the plus strand (G>C on the coding strand, the complement: GABRB2 is on the minus strand). VCF-style: chr5-161546349-C-G. GRCh37 (hg19) VCF-style: chr5-160973355-C-G.
Other names: c.142G>C, p.Asp48His (NM_000813.3, NM_021911.3); short protein forms D48H.
Identifiers: ClinVar variation 2134894 (VCV002134894.4), dbSNP rs2480169453, ClinGen allele CA362172584.

ClinVar aggregate classification (germline): Uncertain significance (1 of 4 stars; one submission).

Conditions:
Intellectual disability. Also called: Intellectual functioning disability; intellectual disabilities; Intellectual developmental disorder. Identifiers: MedGen C3714756, MeSH D008607, MONDO:0001071, HP:0001249.

Submission:

Labcorp Genetics (formerly Invitae), Labcorp
Classification: Uncertain significance for Intellectual disability. Last evaluated: 2022-05-07. Review status: criteria provided, single submitter. Criteria: Invitae Variant Classification Sherloc (09022015). Collection method: clinical testing. Allele origin: germline.
Comment: In summary, the available evidence is currently insufficient to determine the role of this variant in disease. Therefore, it has been classified as a Variant of Uncertain Significance. Advanced modeling of protein sequence and biophysical properties (such as structural, functional, and spatial information, amino acid conservation, physicochemical variation, residue mobility, and thermodynamic stability) performed at Invitae indicates that this missense variant is expected to disrupt GABRB2 protein function. This variant has not been reported in the literature in individuals affected with GABRB2-related conditions. This variant is not present in population databases (gnomAD no frequency). This sequence change replaces aspartic acid, which is acidic and polar, with histidine, which is basic and polar, at codon 48 of the GABRB2 protein (p.Asp48His).